The following is an entry in ClinVar:

NM_001037.5(SCN1B):c.343C>G (p.His115Asp)

Gene: SCN1B (sodium voltage-gated channel beta subunit 1; plus strand). Cytogenetic location: 19q13.11.
Variant type: single nucleotide variant.
Coding change: c.343C>G on transcript NM_001037.5 (MANE Select); coding-DNA position 343, C replaced by G.
Protein change: p.His115Asp; replaces histidine 115 with aspartic acid.
Molecular consequence: missense variant.
Genome position (GRCh38, 1-based): chr19:35,033,634, C>G. VCF-style: chr19-35033634-C-G. GRCh37 (hg19) VCF-style: chr19-35524538-C-G.
Other names: c.244C>G, p.His82Asp (NM_001321605.2); c.343C>G, p.His115Asp (NM_199037.5); short protein forms H82D, H115D.
Identifiers: ClinVar variation 4716119 (VCV004716119.1).

ClinVar aggregate classification (germline): Uncertain significance (1 of 4 stars; one submission).

Conditions:
Brugada syndrome 5 (BRGDA5). Identifiers: Orphanet 130, Orphanet 871, MedGen C2748541, MONDO:0013015, OMIM 612838.

Submission:

Labcorp Genetics (formerly Invitae), Labcorp
Classification: Uncertain significance for Brugada syndrome 5. Last evaluated: 2025-06-03. Review status: criteria provided, single submitter. Criteria: Invitae Variant Classification Sherloc (09022015). Collection method: clinical testing. Allele origin: germline.
Comment: This sequence change replaces histidine, which is basic and polar, with aspartic acid, which is acidic and polar, at codon 115 of the SCN1B protein (p.His115Asp). This variant is not present in population databases (gnomAD no frequency). This variant has not been reported in the literature in individuals affected with SCN1B-related conditions. An algorithm developed to predict the effect of missense changes on protein structure and function (PolyPhen-2) suggests that this variant is likely to be tolerated. In summary, the available evidence is currently insufficient to determine the role of this variant in disease. Therefore, it has been classified as a Variant of Uncertain Significance.